The following is an entry in ClinVar:

ClinVar aggregate classification (germline): Uncertain significance. Review status: criteria provided, multiple submitters, no conflicts (2 of 4 stars). 2 submissions from 2 submitters: Uncertain significance (2). Last evaluated 2024-01-04.

Conditions:
Autosomal recessive limb-girdle muscular dystrophy type 2U. Also called: MUSCULAR DYSTROPHY, LIMB-GIRDLE, TYPE 2U; Muscular dystrophy-dystroglycanopathy (limb-girdle), type c, 7. Identifiers: Orphanet 352479, MedGen C5190987, MONDO:0014474, OMIM 616052.
Muscular dystrophy-dystroglycanopathy (congenital with brain and eye anomalies), type A, 7. Also called: WALKER-WARBURG SYNDROME OR MUSCLE-EYE-BRAIN DISEASE, ISPD-RELATED; Congenital muscular dystrophy-dystroglycanopathy with brain and eye anomalies, type A7. Identifiers: Orphanet 899, MedGen C3553330, MONDO:0013835, OMIM 614643.

Allele frequency attached by ClinVar (database versions not stated): gnomAD exomes 0.00002 and 0.00011; gnomAD 0.00011 and 0.00012; TOPMed 0.00012; ExAC 0.00016; ESP Exome Variant Server 0.00025.
gnomAD v4.1: 51 of 1,609,242 alleles (0.0032%); highest among the groups gnomAD compares: East Asian, 0.038%; no homozygotes.

Submissions (2):

Labcorp Genetics (formerly Invitae), Labcorp
Classification: Uncertain significance for Muscular dystrophy-dystroglycanopathy (congenital with brain and eye anomalies), type A, 7; Autosomal recessive limb-girdle muscular dystrophy type 2U. Last evaluated: 2024-01-04. Review status: criteria provided, single submitter. Criteria: Invitae Variant Classification Sherloc (09022015). Collection method: clinical testing. Allele origin: germline.
Comment: This sequence change replaces asparagine, which is neutral and polar, with serine, which is neutral and polar, at codon 337 of the ISPD protein (p.Asn337Ser). This variant is present in population databases (rs369832637, gnomAD 0.1%). This variant has not been reported in the literature in individuals affected with ISPD-related conditions. ClinVar contains an entry for this variant (Variation ID: 473153). Advanced modeling of protein sequence and biophysical properties (such as structural, functional, and spatial information, amino acid conservation, physicochemical variation, residue mobility, and thermodynamic stability) performed at Invitae indicates that this missense variant is not expected to disrupt ISPD protein function with a negative predictive value of 80%. In summary, the available evidence is currently insufficient to determine the role of this variant in disease. Therefore, it has been classified as a Variant of Uncertain Significance.

Revvity Omics, Revvity
Classification: Uncertain significance. Last evaluated: 2022-11-23. Review status: criteria provided, single submitter. Criteria: ACMG Guidelines, 2015. Collection method: clinical testing. Allele origin: germline.

NM_001101426.4(CRPPA):c.1010A>G (p.Asn337Ser)

Genes: CRPPA-AS1 (CRPPA antisense RNA 1; plus strand), CRPPA (CDP-L-ribitol pyrophosphorylase A; minus strand). Cytogenetic location: 7p21.2.
Variant type: single nucleotide variant.
Coding change: c.1010A>G on transcript NM_001101426.4 (MANE Select); coding-DNA position 1010, A replaced by G.
Protein change: p.Asn337Ser; replaces asparagine 337 with serine.
Molecular consequence: missense variant. On other transcripts: non-coding transcript variant (1).
Genome position (GRCh38, 1-based): chr7:16,258,936, T>C on the plus strand (A>G on the coding strand, the complement: CRPPA is on the minus strand). VCF-style: chr7-16258936-T-C. GRCh37 (hg19) VCF-style: chr7-16298561-T-C.
Other names: c.860A>G, p.Asn287Ser (NM_001101417.4); c.905A>G, p.Asn302Ser (NM_001368197.1); short protein forms N337S, N302S, N287S.
Identifiers: ClinVar variation 473153 (VCV000473153.10), dbSNP rs369832637, ClinGen allele CA4169424.